The following is an entry in ClinVar:

ClinVar aggregate classification (germline): Uncertain significance (1 of 4 stars; one submission).

Conditions:
Inborn genetic diseases. Identifiers: MedGen C0950123, MeSH D030342.

Submission:

Ambry Genetics
Classification: Uncertain significance for Inborn genetic diseases. Last evaluated: 2024-08-12. Review status: criteria provided, single submitter. Criteria: Ambry Variant Classification Scheme 2023. Collection method: clinical testing. Allele origin: germline.
Comment: The p.E526G variant (also known as c.1577A>G), located in coding exon 17 of the ERCC2 gene, results from an A to G substitution at nucleotide position 1577. The glutamic acid at codon 526 is replaced by glycine, an amino acid with similar properties. This amino acid position is conserved. In addition, this alteration is predicted to be deleterious by in silico analysis. Based on the available evidence, the clinical significance of this variant remains unclear.

NM_000400.4(ERCC2):c.1577A>G (p.Glu526Gly)

Gene: ERCC2 (ERCC excision repair 2, TFIIH core complex helicase subunit; minus strand). Cytogenetic location: 19q13.32.
Variant type: single nucleotide variant.
Coding change: c.1577A>G on transcript NM_000400.4 (MANE Select); coding-DNA position 1577, A replaced by G.
Protein change: p.Glu526Gly; replaces glutamic acid 526 with glycine.
Molecular consequence: missense variant.
Genome position (GRCh38, 1-based): chr19:45,354,818, T>C on the plus strand (A>G on the coding strand, the complement: ERCC2 is on the minus strand). VCF-style: chr19-45354818-T-C. GRCh37 (hg19) VCF-style: chr19-45858076-T-C.
Other names: short protein forms E526G.
Identifiers: ClinVar variation 3509840 (VCV003509840.1).